The following is an entry in ClinVar:

NM_001005242.3(PKP2):c.2222C>T (p.Thr741Ile)

Gene: PKP2 (plakophilin 2; minus strand). Cytogenetic location: 12p11.21.
Variant type: single nucleotide variant.
Coding change: c.2222C>T on transcript NM_001005242.3 (MANE Select); coding-DNA position 2222, C replaced by T.
Protein change: p.Thr741Ile; replaces threonine 741 with isoleucine.
Molecular consequence: missense variant.
Genome position (GRCh38, 1-based): chr12:32,796,244, G>A on the plus strand (C>T on the coding strand, the complement: PKP2 is on the minus strand). VCF-style: chr12-32796244-G-A. GRCh37 (hg19) VCF-style: chr12-32949178-G-A.
Other names: c.2057C>T, p.Thr686Ile (NM_001407156.1); c.1895C>T, p.Thr632Ile (NM_001407158.1, NM_001407159.1); c.2354C>T, p.Thr785Ile (NM_004572.4); short protein forms T686I, T785I, T741I, T632I.
Identifiers: ClinVar variation 2189696 (VCV002189696.6), dbSNP rs1367391626, ClinGen allele CA384357864.

ClinVar aggregate classification (germline): Uncertain significance. Review status: criteria provided, multiple submitters, no conflicts (2 of 4 stars). 2 submissions from 2 submitters: Uncertain significance (2). Last evaluated 2022-12-01.

Conditions:
Arrhythmogenic right ventricular dysplasia 9 (ARVD9). Also called: Arrhythmogenic Right Ventricular Dysplasia/Cardiomyopathy 9; ARRHYTHMOGENIC RIGHT VENTRICULAR DYSPLASIA, FAMILIAL, 9. Identifiers: MedGen C1836906, MONDO:0012180, OMIM 609040.
Cardiovascular phenotype. Identifiers: MedGen CN230736.

Allele frequency attached by ClinVar (database versions not stated): gnomAD exomes below 0.00001; gnomAD 0.00001; TOPMed 0.00001.
gnomAD v4.1: 3 of 1,613,312 alleles (0.00019%); highest among the groups gnomAD compares: African/African-American, 0.004%; no homozygotes.

Submissions (2):

Ambry Genetics
Classification: Uncertain significance for Cardiovascular phenotype. Last evaluated: 2022-12-01. Review status: criteria provided, single submitter. Criteria: Ambry Variant Classification Scheme 2023. Collection method: clinical testing. Allele origin: germline.
Comment: The p.T785I variant (also known as c.2354C>T), located in coding exon 12 of the PKP2 gene, results from a C to T substitution at nucleotide position 2354. The threonine at codon 785 is replaced by isoleucine, an amino acid with similar properties. This amino acid position is conserved. In addition, this alteration is predicted to be tolerated by in silico analysis. Since supporting evidence is limited at this time, the clinical significance of this alteration remains unclear.

Labcorp Genetics (formerly Invitae), Labcorp
Classification: Uncertain significance for Arrhythmogenic right ventricular dysplasia 9. Last evaluated: 2022-08-20. Review status: criteria provided, single submitter. Criteria: Invitae Variant Classification Sherloc (09022015). Collection method: clinical testing. Allele origin: germline.
Comment: In summary, the available evidence is currently insufficient to determine the role of this variant in disease. Therefore, it has been classified as a Variant of Uncertain Significance. Algorithms developed to predict the effect of missense changes on protein structure and function are either unavailable or do not agree on the potential impact of this missense change (SIFT: "Deleterious"; PolyPhen-2: "Benign"; Align-GVGD: "Class C0"). This variant has not been reported in the literature in individuals affected with PKP2-related conditions. This variant is present in population databases (no rsID available, gnomAD 0.007%). This sequence change replaces threonine, which is neutral and polar, with isoleucine, which is neutral and non-polar, at codon 785 of the PKP2 protein (p.Thr785Ile).